The following is an entry in ClinVar:

NM_007294.4(BRCA1):c.4967G>T (p.Gly1656Val)

Gene: BRCA1 (BRCA1 DNA repair associated; minus strand). Cytogenetic location: 17q21.31.
Variant type: single nucleotide variant.
Coding change: c.4967G>T on transcript NM_007294.4 (MANE Select); coding-DNA position 4967, G replaced by T.
Protein change: p.Gly1656Val; replaces glycine 1656 with valine.
Molecular consequence: missense variant. On other transcripts: non-coding transcript variant (1).
Genome position (GRCh38, 1-based): chr17:43,070,947, C>A on the plus strand (G>T on the coding strand, the complement: BRCA1 is on the minus strand). VCF-style: chr17-43070947-C-A. GRCh37 (hg19) VCF-style: chr17-41222964-C-A.
Other names: c.4754G>T, p.Gly1585Val (NM_001407571.1, NM_001407898.1, NM_001407899.1 and 12 more transcripts); c.5033G>T, p.Gly1678Val (NM_001407581.1, NM_001407582.1); c.5030G>T, p.Gly1677Val (NM_001407583.1, NM_001407585.1, NM_001407587.1 and 1 more transcripts); c.5027G>T, p.Gly1676Val (NM_001407590.1, NM_001407591.1); c.4967G>T, p.Gly1656Val (NM_001407593.1, NM_001407594.1, NM_001407596.1 and 8 more transcripts); c.4964G>T, p.Gly1655Val (NM_001407610.1, NM_001407611.1, NM_001407612.1 and 17 more transcripts); c.4961G>T, p.Gly1654Val (NM_001407627.1, NM_001407628.1, NM_001407629.1 and 14 more transcripts); c.4952G>T, p.Gly1651Val (NM_001407647.1); and 70 more; short protein forms G1677V, G552V, G1609V, G1656V, G1528V, G1566V, G1586V, G1628V.
Identifiers: ClinVar variation 868879 (VCV000868879.3), dbSNP rs80357414, ClinGen allele CA10591590.

Conditions:
Breast-ovarian cancer, familial, susceptibility to, 1 (BROVCA1). Also called: BRCA1 Hereditary Breast and Ovarian Cancer; OVARIAN CANCER, SUSCEPTIBILITY TO. Identifiers: Orphanet 145, MedGen C2676676, MONDO:0011450, OMIM 604370. Disease mechanism: loss of function.

Submission:

Brotman Baty Institute, University of Washington
No classification provided (evidence only). Condition: Breast-ovarian cancer, familial 1. Review status: no classification provided. Collection method: in vitro. Allele origin: not applicable. Functional consequence: functionally_normal.
ClinVar note: "not provided" was previously submitted as the classification for the variant. However, the classification appeared to be based only on an observation of functional data so it was converted to no classification on 2025-07-30.